The following is an entry in ClinVar:

NM_000321.3(RB1):c.1275C>G (p.Ile425Met)

Gene: RB1 (RB transcriptional corepressor 1; plus strand). Cytogenetic location: 13q14.2.
Variant type: single nucleotide variant.
Coding change: c.1275C>G on transcript NM_000321.3 (MANE Select); coding-DNA position 1275, C replaced by G.
Protein change: p.Ile425Met; replaces isoleucine 425 with methionine.
Molecular consequence: missense variant.
Genome position (GRCh38, 1-based): chr13:48,376,977, C>G. VCF-style: chr13-48376977-C-G. GRCh37 (hg19) VCF-style: chr13-48951113-C-G.
Other names: c.1275C>G, p.Ile425Met (NM_001407165.1, NM_001407166.1); short protein forms I425M.
Identifiers: ClinVar variation 2189800 (VCV002189800.6), dbSNP rs2138136468, ClinGen allele CA388162066.

ClinVar aggregate classification (germline): Uncertain significance. Review status: criteria provided, multiple submitters, no conflicts (2 of 4 stars). 2 submissions from 2 submitters: Uncertain significance (2). Last evaluated 2023-03-19.

Conditions:
Retinoblastoma (RB1). Also called: RETINOBLASTOMA, SOMATIC. Identifiers: Orphanet 790, MedGen C0035335, MeSH D012175, MONDO:0008380, OMIM 180200, HP:0009919. Disease mechanism: loss of function. Inheritance: Both sporadic and heritable forms are tested..
Hereditary cancer-predisposing syndrome. Also called: Hereditary Cancer Syndrome; Tumor predisposition; Hereditary neoplastic syndrome; Neoplastic Syndromes, Hereditary. Identifiers: Orphanet 140162, MedGen C0027672, MeSH D009386, MONDO:0015356.

Submissions (2):

Ambry Genetics
Classification: Uncertain significance for Hereditary cancer-predisposing syndrome. Last evaluated: 2023-03-19. Review status: criteria provided, single submitter. Criteria: Ambry Variant Classification Scheme 2023. Collection method: clinical testing. Allele origin: germline.
Comment: The p.I425M variant (also known as c.1275C>G), located in coding exon 13 of the RB1 gene, results from a C to G substitution at nucleotide position 1275. The isoleucine at codon 425 is replaced by methionine, an amino acid with highly similar properties. This amino acid position is conserved. In addition, the in silico prediction for this alteration is inconclusive. Since supporting evidence is limited at this time, the clinical significance of this alteration remains unclear.

Labcorp Genetics (formerly Invitae), Labcorp
Classification: Uncertain significance for Retinoblastoma. Last evaluated: 2022-12-21. Review status: criteria provided, single submitter. Criteria: Invitae Variant Classification Sherloc (09022015). Collection method: clinical testing. Allele origin: germline.
Comment: In summary, the available evidence is currently insufficient to determine the role of this variant in disease. Therefore, it has been classified as a Variant of Uncertain Significance. Advanced modeling of protein sequence and biophysical properties (such as structural, functional, and spatial information, amino acid conservation, physicochemical variation, residue mobility, and thermodynamic stability) performed at Invitae indicates that this missense variant is not expected to disrupt RB1 protein function. This variant has not been reported in the literature in individuals affected with RB1-related conditions. This variant is not present in population databases (gnomAD no frequency). This sequence change replaces isoleucine, which is neutral and non-polar, with methionine, which is neutral and non-polar, at codon 425 of the RB1 protein (p.Ile425Met).